The following is an entry in ClinVar:

NM_001813.3(CENPE):c.1816A>G (p.Ile606Val)

Gene: CENPE (centromere protein E; minus strand). Cytogenetic location: 4q24.
Variant type: single nucleotide variant.
Coding change: c.1816A>G on transcript NM_001813.3 (MANE Select); coding-DNA position 1816, A replaced by G.
Protein change: p.Ile606Val; replaces isoleucine 606 with valine.
Molecular consequence: missense variant.
Genome position (GRCh38, 1-based): chr4:103,163,163, T>C on the plus strand (A>G on the coding strand, the complement: CENPE is on the minus strand). VCF-style: chr4-103163163-T-C. GRCh37 (hg19) VCF-style: chr4-104084320-T-C.
Other names: c.1741A>G, p.Ile581Val (NM_001286734.2); short protein forms I581V, I606V.
Identifiers: ClinVar variation 3360956 (VCV003360956.1).

ClinVar aggregate classification (germline): Uncertain significance (1 of 4 stars; one submission).

gnomAD v4.1: 9 of 1,609,908 alleles (0.00056%); highest among the groups gnomAD compares: African/African-American, 0.0067%; no homozygotes.

Submission:

GeneDx
Classification: Uncertain significance. Last evaluated: 2023-07-18. Review status: criteria provided, single submitter. Criteria: GeneDx Variant Classification Process June 2021. Collection method: clinical testing. Allele origin: germline. Affected: yes.
Comment: Not observed at significant frequency in large population cohorts (gnomAD); In silico analysis supports a deleterious effect on splicing; In silico analysis supports that this missense variant does not alter protein structure/function; Has not been previously published as pathogenic or benign to our knowledge